The following is an entry in ClinVar:

NM_001003800.2(BICD2):c.547G>T (p.Glu183Ter)

Gene: BICD2 (BICD cargo adaptor 2; minus strand). Cytogenetic location: 9q22.31.
Variant type: single nucleotide variant.
Coding change: c.547G>T on transcript NM_001003800.2 (MANE Select); coding-DNA position 547, G replaced by T.
Protein change: p.Glu183Ter; replaces glutamic acid 183 with a stop codon.
Molecular consequence: nonsense.
Genome position (GRCh38, 1-based): chr9:92,722,715, C>A on the plus strand (G>T on the coding strand, the complement: BICD2 is on the minus strand). VCF-style: chr9-92722715-C-A. GRCh37 (hg19) VCF-style: chr9-95484997-C-A.
Other names: c.547G>T, p.Glu183Ter (NM_015250.4); short protein forms E183*.
Identifiers: ClinVar variation 3027144 (VCV003027144.22), dbSNP rs2490459105, ClinGen allele CA374045561.

ClinVar aggregate classification (germline): Uncertain significance (1 of 4 stars; one submission).

Submission:

CeGaT Center for Human Genetics Tuebingen
Classification: Uncertain significance. Last evaluated: 2024-02-01. Review status: criteria provided, single submitter. Criteria: CeGaT Center For Human Genetics Tuebingen Variant Classification Criteria Version 2. Collection method: clinical testing. Allele origin: germline. Affected: yes. Observed: 1 variant allele.
Comment: BICD2: PM2